The following is an entry in ClinVar:

NM_000059.4(BRCA2):c.9704_9705insG (p.Lys3236fs)

Gene: BRCA2 (BRCA2 DNA repair associated; plus strand). Cytogenetic location: 13q13.1.
Variant type: Insertion.
Coding change: c.9704_9705insG on transcript NM_000059.4 (MANE Select); coding-DNA positions 9704 to 9705, G inserted.
Protein change: p.Lys3236fs; shifts the reading frame from lysine 3236.
Molecular consequence: frameshift variant.
Genome position: GRCh38 VCF-style: chr13-32398217-C-CG. GRCh37 (hg19) VCF-style: chr13-32972354-C-CG.
Other names: short protein forms K3236fs.
Identifiers: ClinVar variation 548323 (VCV000548323.1), dbSNP rs1555289922, ClinGen allele CA658823601.

ClinVar aggregate classification (germline): Pathogenic (3 of 4 stars; one submission).

Conditions:
Breast-ovarian cancer, familial, susceptibility to, 2 (BROVCA2). Also called: BRCA2 Hereditary Breast and Ovarian Cancer. Identifiers: Orphanet 145, MedGen C2675520, MONDO:0012933, OMIM 612555. Disease mechanism: loss of function.

Submission:

Evidence-based Network for the Interpretation of Germline Mutant Alleles (ENIGMA)
Classification: Pathogenic for Breast-ovarian cancer, familial, susceptibility to, 2. Last evaluated: 2017-12-15. Review status: reviewed by expert panel. Criteria: ENIGMA BRCA1/2 Classification Criteria (2017-06-29). Collection method: curation. Allele origin: germline. Study: ENIGMA.
Comment: Variant allele predicted to encode a truncated non-functional protein.